The following is an entry in ClinVar:

NM_003000.3(SDHB):c.72+7C>G

Genes: SDHB (succinate dehydrogenase complex iron sulfur subunit B; minus strand), LOC129929542 (ATAC-STARR-seq lymphoblastoid active region 277; plus strand). Cytogenetic location: 1p36.13.
Variant type: single nucleotide variant.
Coding change: c.72+7C>G on transcript NM_003000.3 (MANE Select); 7 bases into the intron after coding-DNA position 72, C replaced by G.
Molecular consequence: intron variant.
Genome position (GRCh38, 1-based): chr1:17,053,941, G>C on the plus strand (C>G on the coding strand, the complement: SDHB is on the minus strand). VCF-style: chr1-17053941-G-C. GRCh37 (hg19) VCF-style: chr1-17380436-G-C.
Other names: c.72+7C>G (NM_001407361.1).
Identifiers: ClinVar variation 2927412 (VCV002927412.4), dbSNP rs1553179311, ClinGen allele CA999099878.

ClinVar aggregate classification (germline): Likely benign. Review status: criteria provided, multiple submitters, no conflicts (2 of 4 stars). 2 submissions from 2 submitters: Likely benign (2). Last evaluated 2025-03-12.

Conditions:
Pheochromocytoma. Also called: MAX-Related Hereditary Paraganglioma-Pheochromocytoma Syndrome. Identifiers: Orphanet 29072, MedGen C0031511, MONDO:0008233, OMIM 171300, HP:0002666.
Gastrointestinal stromal tumor. Also called: Gastrointestinal stromal tumor, somatic; Gastrointestinal stroma tumor. Identifiers: Orphanet 44890, MedGen C0238198, MeSH D046152, MONDO:0011719, OMIM 606764, HP:0100723.
Pheochromocytoma/paraganglioma syndrome 4. Also called: CAROTID BODY TUMORS AND MULTIPLE EXTRAADRENAL PHEOCHROMOCYTOMAS; PARAGANGLIOMA, FAMILIAL MALIGNANT; PARAGANGLIOMAS, HEREDITARY EXTRAADRENAL; PHEOCHROMOCYTOMA, FAMILIAL EXTRAADRENAL; Paragangliomas 4; SDHB-Related Hereditary Paraganglioma-Pheochromocytoma Syndrome (Paragangliomas 4). Identifiers: Orphanet 29072, MedGen C1861848, MONDO:0007273, OMIM 115310.

Allele frequency attached by ClinVar (database versions not stated): TOPMed below 0.00001; gnomAD 0.00001.

Submissions (2):

Myriad Genetics, Inc.
Classification: Likely benign for Pheochromocytoma/paraganglioma syndrome 4. Last evaluated: 2025-03-12. Review status: criteria provided, single submitter. Criteria: Myriad Autosomal Dominant, Autosomal Recessive and X-Linked Classification Criteria (2023). Collection method: clinical testing. Allele origin: unknown.
Comment: This variant is considered likely benign. This variant is intronic and is not expected to impact mRNA splicing.

Labcorp Genetics (formerly Invitae), Labcorp
Classification: Likely benign for Gastrointestinal stromal tumor; Pheochromocytoma/paraganglioma syndrome 4; Pheochromocytoma. Last evaluated: 2023-05-21. Review status: criteria provided, single submitter. Criteria: Invitae Variant Classification Sherloc (09022015). Collection method: clinical testing. Allele origin: germline.